The following is an entry in ClinVar:

NM_182920.2(ADAMTS9):c.2053C>T (p.Arg685Trp)

Gene: ADAMTS9 (ADAM metallopeptidase with thrombospondin type 1 motif 9; minus strand). Cytogenetic location: 3p14.1.
Variant type: single nucleotide variant.
Coding change: c.2053C>T on transcript NM_182920.2 (MANE Select); coding-DNA position 2053, C replaced by T.
Protein change: p.Arg685Trp; replaces arginine 685 with tryptophan.
Molecular consequence: missense variant.
Genome position (GRCh38, 1-based): chr3:64,633,594, G>A on the plus strand (C>T on the coding strand, the complement: ADAMTS9 is on the minus strand). VCF-style: chr3-64633594-G-A. GRCh37 (hg19) VCF-style: chr3-64619270-G-A.
Other names: c.1969C>T, p.Arg657Trp (NM_001318781.2); short protein forms R657W, R685W.
Identifiers: ClinVar variation 1435028 (VCV001435028.7), dbSNP rs144320157, ClinGen allele CA2481320.

ClinVar aggregate classification (germline): Uncertain significance (1 of 4 stars; one submission).

Allele frequency attached by ClinVar (database versions not stated): ExAC 0.00001; gnomAD 0.00001; gnomAD exomes 0.00001 and 0.00002; ESP Exome Variant Server 0.00008.
gnomAD v4.1: 16 of 1,613,912 alleles (0.00099%); highest among the groups gnomAD compares: South Asian, 0.0033%; no homozygotes.

Submission:

Labcorp Genetics (formerly Invitae), Labcorp
Classification: Uncertain significance. Last evaluated: 2021-12-02. Review status: criteria provided, single submitter. Criteria: Invitae Variant Classification Sherloc (09022015). Collection method: clinical testing. Allele origin: germline.
Comment: This sequence change replaces arginine, which is basic and polar, with tryptophan, which is neutral and slightly polar, at codon 685 of the ADAMTS9 protein (p.Arg685Trp). This variant is present in population databases (rs144320157, gnomAD 0.02%). This variant has not been reported in the literature in individuals affected with ADAMTS9-related conditions. Algorithms developed to predict the effect of missense changes on protein structure and function (SIFT, PolyPhen-2, Align-GVGD) all suggest that this variant is likely to be disruptive. In summary, the available evidence is currently insufficient to determine the role of this variant in disease. Therefore, it has been classified as a Variant of Uncertain Significance.